The following is an entry in ClinVar:

NM_005228.5(EGFR):c.1881-2A>G

Gene: EGFR (epidermal growth factor receptor; plus strand). Cytogenetic location: 7p11.2.
Variant type: single nucleotide variant.
Coding change: c.1881-2A>G on transcript NM_005228.5 (MANE Select); the canonical splice acceptor site of the intron before coding-DNA position 1881, A replaced by G.
Molecular consequence: splice acceptor variant.
Genome position (GRCh38, 1-based): chr7:55,171,173, A>G. VCF-style: chr7-55171173-A-G. GRCh37 (hg19) VCF-style: chr7-55238866-A-G.
Other names: c.1746-2A>G (NM_001346899.2, NM_001346897.2); c.1080-2A>G (NM_001346941.2); c.1881-2A>G (NM_001346898.2); c.1722-2A>G (NM_001346900.2).
Identifiers: ClinVar variation 1347255 (VCV001347255.8), dbSNP rs774963273, ClinGen allele CA4265854.

ClinVar aggregate classification (germline): Conflicting classifications of pathogenicity. Review status: criteria provided, conflicting classifications (1 of 4 stars). 2 submissions from 2 submitters: Likely pathogenic (1); Uncertain significance (1). Last evaluated 2021-10-24.

Conditions:
Hereditary cancer-predisposing syndrome. Also called: Hereditary neoplastic syndrome; Tumor predisposition; Neoplastic Syndromes, Hereditary; Hereditary Cancer Syndrome. Identifiers: Orphanet 140162, MedGen C0027672, MeSH D009386, MONDO:0015356.
EGFR-related lung cancer (EGFR). Identifiers: MedGen CN130014.

Submissions (4):

Sema4
Classification: Uncertain significance for Hereditary cancer-predisposing syndrome. Last evaluated: 2021-10-24. Review status: criteria provided, single submitter. Criteria: Sema4 Curation Guidelines. Collection method: curation. Allele origin: germline.
Comment: The EGFR c.1881-2A>G variant has not been reported in the literature to our knowledge. This variant affects a nucleotide within a consensus splice site of an intron. This variant may cause exon skipping, intron retention or use of a cryptic splice site; however, loss of function is not established disease mechanism for EGFR protein. It was not observed in the large and broad cohorts of the Genome Aggregation Database (PMID: 32461654), nor in ClinVar. The evidence is insufficient to meet ACMG/AMP criteria for classifying the variant as benign or pathogenic. Thus, the clinical significance of this variant is currently uncertain.

Labcorp Genetics (formerly Invitae), Labcorp
Classification: Likely pathogenic for EGFR-related lung cancer. Last evaluated: 2021-09-24. Review status: criteria provided, single submitter. Criteria: Invitae Variant Classification Sherloc (09022015). Collection method: clinical testing. Allele origin: germline.
Comment: This sequence change affects an acceptor splice site in intron 15 of the EGFR gene. It is expected to disrupt RNA splicing. Variants that disrupt the donor or acceptor splice site typically lead to a loss of protein function (PMID: 16199547), and loss-of-function variants in EGFR are known to be pathogenic (PMID: 7630400, 28726809, 29899996). This variant is present in population databases (rs774963273, ExAC 0.001%). In summary, the currently available evidence indicates that the variant is pathogenic, but additional data are needed to prove that conclusively. Therefore, this variant has been classified as Likely Pathogenic. Algorithms developed to predict the effect of sequence changes on RNA splicing suggest that this variant may disrupt the consensus splice site. This variant has not been reported in the literature in individuals affected with EGFR-related conditions.

Dr. Peter K. Rogan Lab, Western University
No classification provided (evidence only). Condition: Nonpapillary renal cell carcinoma. Review status: no classification provided. Collection method: in vitro. Allele origin: not applicable. Functional consequence: skipped exon, retained intron. Not counted in ClinVar's aggregate classification.

Dr. Peter K. Rogan Lab, Western University
No classification provided (evidence only). Condition: Nonpapillary renal cell carcinoma. Review status: no classification provided. Collection method: in vitro. Allele origin: not applicable. Functional consequence: retained intron. Not counted in ClinVar's aggregate classification.

Literature cited by the submitters: PubMed 16199547 (cited by Labcorp Genetics (formerly Invitae), Labcorp); PubMed 7630400 (cited by Labcorp Genetics (formerly Invitae), Labcorp); PubMed 28726809 (cited by Labcorp Genetics (formerly Invitae), Labcorp); PubMed 29899996 (cited by Labcorp Genetics (formerly Invitae), Labcorp).